The following is an entry in ClinVar:

ClinVar aggregate classification (germline): Uncertain significance (1 of 4 stars; one submission).

gnomAD v4.1: 2 of 1,611,022 alleles (0.00012%); highest among the groups gnomAD compares: East Asian, 0.0022%; no homozygotes.

Submission:

Labcorp Genetics (formerly Invitae), Labcorp
Classification: Uncertain significance. Last evaluated: 2024-11-19. Review status: criteria provided, single submitter. Criteria: Invitae Variant Classification Sherloc (09022015). Collection method: clinical testing. Allele origin: germline.
Comment: This sequence change replaces threonine, which is neutral and polar, with isoleucine, which is neutral and non-polar, at codon 217 of the NLRP1 protein (p.Thr217Ile). This variant is present in population databases (rs748458090, gnomAD no frequency). This variant has not been reported in the literature in individuals affected with NLRP1-related conditions. An algorithm developed to predict the effect of missense changes on protein structure and function outputs the following: PolyPhen-2: "Benign". The isoleucine amino acid residue is found in multiple mammalian species, which suggests that this missense change does not adversely affect protein function. In summary, the available evidence is currently insufficient to determine the role of this variant in disease. Therefore, it has been classified as a Variant of Uncertain Significance.

NM_033004.4(NLRP1):c.650C>T (p.Thr217Ile)

Gene: NLRP1 (NLR family pyrin domain containing 1; minus strand). Cytogenetic location: 17p13.2.
Variant type: single nucleotide variant.
Coding change: c.650C>T on transcript NM_033004.4 (MANE Select); coding-DNA position 650, C replaced by T.
Protein change: p.Thr217Ile; replaces threonine 217 with isoleucine.
Molecular consequence: missense variant.
Genome position (GRCh38, 1-based): chr17:5,581,861, G>A on the plus strand (C>T on the coding strand, the complement: NLRP1 is on the minus strand). VCF-style: chr17-5581861-G-A. GRCh37 (hg19) VCF-style: chr17-5485181-G-A.
Other names: c.650C>T, p.Thr217Ile (NM_001033053.3, NM_014922.5, NM_033006.4 and 1 more transcripts); short protein forms T217I.
Identifiers: ClinVar variation 3696353 (VCV003696353.2).